The following is an entry in ClinVar:

NM_004474.4(FOXD2):c.303C>A (p.Ala101=)

Gene: FOXD2 (forkhead box D2; plus strand). Cytogenetic location: 1p33.
Variant type: single nucleotide variant.
Coding change: c.303C>A on transcript NM_004474.4 (MANE Select); coding-DNA position 303, C replaced by A.
Protein change: p.Ala101=; no amino-acid change (alanine 101 retained).
Molecular consequence: synonymous variant.
Genome position (GRCh38, 1-based): chr1:47,438,438, C>A. VCF-style: chr1-47438438-C-A. GRCh37 (hg19) VCF-style: chr1-47904110-C-A.
Identifiers: ClinVar variation 3905169 (VCV003905169.10).

ClinVar aggregate classification (germline): Likely benign (1 of 4 stars; one submission).

gnomAD v4.1: 116 of 1,029,560 alleles (0.011%); highest among the groups gnomAD compares: East Asian, 0.36%; 1 homozygote.

Submission:

CeGaT Center for Human Genetics Tuebingen
Classification: Likely benign. Last evaluated: 2025-06-01. Review status: criteria provided, single submitter. Criteria: CeGaT Center For Human Genetics Tuebingen Variant Classification Criteria Version 2. Collection method: clinical testing. Allele origin: germline. Affected: yes. Observed: 1 variant allele.
Comment: FOXD2: BP4, BP7